The following is an entry in ClinVar:

NM_001127222.2(CACNA1A):c.2381A>G (p.Tyr794Cys)

Gene: CACNA1A (calcium voltage-gated channel subunit alpha1 A; minus strand). Cytogenetic location: 19p13.13.
Variant type: single nucleotide variant.
Coding change: c.2381A>G on transcript NM_001127222.2 (MANE Select); coding-DNA position 2381, A replaced by G.
Protein change: p.Tyr794Cys; replaces tyrosine 794 with cysteine.
Molecular consequence: missense variant.
Genome position (GRCh38, 1-based): chr19:13,299,252, T>C on the plus strand (A>G on the coding strand, the complement: CACNA1A is on the minus strand). VCF-style: chr19-13299252-T-C. GRCh37 (hg19) VCF-style: chr19-13410066-T-C.
Other names: c.2393A>G, p.Tyr798Cys (NM_000068.4, NM_023035.3); c.2384A>G, p.Tyr795Cys (NM_001127221.2, NM_001174080.2); short protein forms Y794C, Y795C, Y798C.
Identifiers: ClinVar variation 1790470 (VCV001790470.6), dbSNP rs1374890716, ClinGen allele CA404343578.

ClinVar aggregate classification (germline): Uncertain significance. Review status: criteria provided, multiple submitters, no conflicts (2 of 4 stars). 3 submissions from 3 submitters: Uncertain significance (3). Last evaluated 2025-04-11.

Conditions:
Developmental and epileptic encephalopathy, 42 (DEE42A). Also called: DEVELOPMENTAL AND EPILEPTIC ENCEPHALOPATHY 42A; EPILEPTIC ENCEPHALOPATHY, EARLY INFANTILE, 42A; Epileptic encephalopathy, early infantile, 42. Identifiers: MedGen C4310716, MONDO:0014917, OMIM 617106.
Episodic ataxia type 2 (EA2). Also called: ATAXIA, EPISODIC, WITH NYSTAGMUS; ATAXIA, FAMILIAL PAROXYSMAL; CEREBELLAR ATAXIA, PAROXYSMAL, ACETAZOLAMIDE-RESPONSIVE; CEREBELLOPATHY, HEREDITARY PAROXYSMAL; EPISODIC ATAXIA, NYSTAGMUS-ASSOCIATED; ACETAZOLAMIDE-RESPONSIVE HEREDITARY PAROXYSMAL CEREBELLAR ATAXIA. Identifiers: Orphanet 97, MedGen C1720416, MONDO:0007163, OMIM 108500.
Inborn genetic diseases. Identifiers: MedGen C0950123, MeSH D030342.

gnomAD v4.1: 3 of 1,608,376 alleles (0.00019%); highest among the groups gnomAD compares: African/African-American, 0.0013%; no homozygotes.

Submissions (3):

GeneDx
Classification: Uncertain significance. Last evaluated: 2025-04-11. Review status: criteria provided, single submitter. Criteria: GeneDx Variant Classification Process June 2021. Collection method: clinical testing. Allele origin: germline. Affected: yes.
Comment: Not observed at significant frequency in large population cohorts (gnomAD); In silico analysis supports that this missense variant has a deleterious effect on protein structure/function; Has not been previously published as pathogenic or benign to our knowledge

Labcorp Genetics (formerly Invitae), Labcorp
Classification: Uncertain significance for Developmental and epileptic encephalopathy, 42; Episodic ataxia type 2. Last evaluated: 2023-07-25. Review status: criteria provided, single submitter. Criteria: Invitae Variant Classification Sherloc (09022015). Collection method: clinical testing. Allele origin: germline.
Comment: In summary, the available evidence is currently insufficient to determine the role of this variant in disease. Therefore, it has been classified as a Variant of Uncertain Significance. Advanced modeling of protein sequence and biophysical properties (such as structural, functional, and spatial information, amino acid conservation, physicochemical variation, residue mobility, and thermodynamic stability) performed at Invitae indicates that this missense variant is not expected to disrupt CACNA1A protein function. ClinVar contains an entry for this variant (Variation ID: 1790470). This variant has not been reported in the literature in individuals affected with CACNA1A-related conditions. This variant is not present in population databases (gnomAD no frequency). This sequence change replaces tyrosine, which is neutral and polar, with cysteine, which is neutral and slightly polar, at codon 795 of the CACNA1A protein (p.Tyr795Cys).

Ambry Genetics
Classification: Uncertain significance for Inborn genetic diseases. Last evaluated: 2017-11-29. Review status: criteria provided, single submitter. Criteria: Ambry Variant Classification Scheme 2023. Collection method: clinical testing. Allele origin: germline.
Comment: The p.Y795C variant (also known as c.2384A>G), located in coding exon 19 of the CACNA1A gene, results from an A to G substitution at nucleotide position 2384. The tyrosine at codon 795 is replaced by cysteine, an amino acid with highly dissimilar properties. This amino acid position is highly conserved in available vertebrate species. In addition, this alteration is predicted to be deleterious by in silico analysis. Since supporting evidence is limited at this time, the clinical significance of this alteration remains unclear.